The following is an entry in ClinVar:

ClinVar aggregate classification (germline): Pathogenic (1 of 4 stars; one submission).

Submission:

GeneDx
Classification: Pathogenic. Last evaluated: 2018-08-17. Review status: criteria provided, single submitter. Criteria: GeneDx Variant Classification (06012015). Collection method: clinical testing. Allele origin: germline. Affected: yes.
Comment: The c.947delA variant in the TLK2 gene has not been reported previously as a pathogenic variant nor as a benign variant, to our knowledge. The c.947delA variant causes a frameshift starting with codon Tyrosine 316, changes this amino acid to a Leucine residue, and creates a premature Stop codon at position 13 of the new reading frame, denoted p.Tyr316LeufsX13. This variant is predicted to cause loss of normal protein function either through protein truncation or nonsense-mediated mRNA decay. The c.947delA variant is not observed in large population cohorts (Lek et al., 2016). We interpret c.947delA as a pathogenic variant.

NM_006852.6(TLK2):c.947del (p.Tyr316fs)

Genes: TLK2 (tousled like kinase 2; plus strand), LOC126862611 (CDK7 strongly-dependent group 2 enhancer GRCh37_chr17:60642433-60643632; plus strand). Cytogenetic location: 17q23.2.
Variant type: Deletion.
Coding change: c.947del on transcript NM_006852.6 (MANE Select); coding-DNA position 947, one base deleted (A; older notation c.947delA).
Protein change: p.Tyr316fs; shifts the reading frame from tyrosine 316.
Molecular consequence: frameshift variant.
Genome position (GRCh38, 1-based): chr17:62,565,116, A deleted. VCF-style (leftmost placement, unchanged base first): chr17-62565115-TA-T. GRCh37 (hg19) VCF-style: chr17-60642476-TA-T.
Other names: c.947del, p.Tyr316fs (NM_001284333.3, NM_001375270.1, NM_001375271.1); c.851del, p.Tyr284fs (NM_001284363.1, NM_001375272.1); c.500del, p.Tyr167fs (NM_001330418.3, NM_001375273.1); c.989del, p.Tyr330fs (NM_001375269.1); short protein forms Y316fs, Y167fs, Y284fs, Y330fs.
Identifiers: ClinVar variation 524042 (VCV000524042.2), dbSNP rs1555639317, ClinGen allele CA658798933.
Genomic context (GRCh38, chr17:62,565,115, plus strand): 5'-CTGGGCCACTTTACTACTGTCCGACACGGAGCCTCATTTACTGAACAGTGGACAGATGGT[TA>T]TGCTTTTCAGAATCTTATCAAGTAAGTGAATTGTTATGATTAAATGGAGAATTGAAAAGT-3'